The following is an entry in ClinVar:

ClinVar aggregate classification (germline): Uncertain significance (1 of 4 stars; one submission).

Allele frequency attached by ClinVar (database versions not stated): ExAC 0.00001; gnomAD 0.00001; gnomAD exomes 0.00001; TOPMed 0.00001.

Submission:

Women's Health and Genetics/Laboratory Corporation of America, LabCorp
Classification: Uncertain significance. Last evaluated: 2024-04-26. Review status: criteria provided, single submitter. Criteria: LabCorp Variant Classification Summary - May 2015. Collection method: clinical testing. Allele origin: germline.
Comment: Variant summary: MAT1A c.487C>T (p.Arg163Trp) results in a non-conservative amino acid change located in the S-adenosylmethionine synthetase, central domain (IPR022629) of the encoded protein sequence. Five of five in-silico tools predict a damaging effect of the variant on protein function. The variant allele was found at a frequency of 8e-06 in 251442 control chromosomes. c.487C>T has been reported in the literature in individuals affected with Hepatic methionine adenosyltransferase deficiency (Kim_2016). These data indicate that the variant may be associated with disease. To our knowledge, no experimental evidence demonstrating an impact on protein function has been reported. The following publication have been ascertained in the context of this evaluation (PMID: 26933843). No submitters have cited clinical-significance assessments for this variant to ClinVar. Based on the evidence outlined above, the variant was classified as VUS-possibly pathogenic.

Literature cited by the submitters: PubMed 26933843.

NM_000429.3(MAT1A):c.487C>T (p.Arg163Trp)

Gene: MAT1A (methionine adenosyltransferase 1A; minus strand). Cytogenetic location: 10q22.3.
Variant type: single nucleotide variant.
Coding change: c.487C>T on transcript NM_000429.3 (MANE Select); coding-DNA position 487, C replaced by T.
Protein change: p.Arg163Trp; replaces arginine 163 with tryptophan.
Molecular consequence: missense variant.
Genome position (GRCh38, 1-based): chr10:80,280,235, G>A on the plus strand (C>T on the coding strand, the complement: MAT1A is on the minus strand). VCF-style: chr10-80280235-G-A. GRCh37 (hg19) VCF-style: chr10-82039991-G-A.
Other names: short protein forms R163W.
Identifiers: ClinVar variation 3251658 (VCV003251658.1), dbSNP rs755625022.